The following is an entry in ClinVar:

NM_003073.5(SMARCB1):c.11T>C (p.Met4Thr)

Gene: SMARCB1 (SWI/SNF related BAF chromatin remodeling complex subunit B1; plus strand). Cytogenetic location: 22q11.23.
Variant type: single nucleotide variant.
Coding change: c.11T>C on transcript NM_003073.5 (MANE Select); coding-DNA position 11, T replaced by C.
Protein change: p.Met4Thr; replaces methionine 4 with threonine.
Molecular consequence: missense variant.
Genome position (GRCh38, 1-based): chr22:23,787,180, T>C. VCF-style: chr22-23787180-T-C. GRCh37 (hg19) VCF-style: chr22-24129367-T-C.
Other names: c.11T>C, p.Met4Thr (NM_001007468.3, NM_001317946.2, NM_001362877.2); short protein forms M4T.
Identifiers: ClinVar variation 1045351 (VCV001045351.11), dbSNP rs371477865, ClinGen allele CA10145815.

ClinVar aggregate classification (germline): Uncertain significance. Review status: criteria provided, multiple submitters, no conflicts (2 of 4 stars). 3 submissions from 3 submitters: Uncertain significance (3). Last evaluated 2025-05-28.

Conditions:
Hereditary cancer-predisposing syndrome. Also called: Hereditary Cancer Syndrome; Tumor predisposition; Hereditary neoplastic syndrome; Neoplastic Syndromes, Hereditary. Identifiers: Orphanet 140162, MedGen C0027672, MeSH D009386, MONDO:0015356.
SMARCB1-related schwannomatosis. Also called: SWNTS1; Schwannomatosis 1. Identifiers: Orphanet 93921, MedGen C4048809, MONDO:0024517, OMIM 162091. Disease mechanism: loss of function.
Rhabdoid tumor predisposition syndrome 1 (RTPS1). Also called: Familial Posterior Fossa Brain Tumor of Infancy. Identifiers: Orphanet 231108, Orphanet 69077, MedGen C1836327, MONDO:0012252, OMIM 609322.
Intellectual disability, autosomal dominant 15 (CSS3). Also called: COFFIN-SIRIS SYNDROME 3. Identifiers: Orphanet 1465, MedGen C3553248, MONDO:0013820, OMIM 614608.

Allele frequency attached by ClinVar (database versions not stated): gnomAD 0.00001; gnomAD exomes 0.00001 and 0.00003; ExAC 0.00003; ESP Exome Variant Server 0.00008.
gnomAD v4.1: 16 of 1,606,560 alleles (0.001%); highest among the groups gnomAD compares: Non-Finnish European, 0.000085%; no homozygotes.

Submissions (3):

Labcorp Genetics (formerly Invitae), Labcorp
Classification: Uncertain significance. Last evaluated: 2025-05-28. Review status: criteria provided, single submitter. Criteria: Invitae Variant Classification Sherloc (09022015). Collection method: clinical testing. Allele origin: germline.
Comment: This sequence change replaces methionine, which is neutral and non-polar, with threonine, which is neutral and polar, at codon 4 of the SMARCB1 protein (p.Met4Thr). This variant is present in population databases (rs371477865, gnomAD 0.04%). This variant has not been reported in the literature in individuals affected with SMARCB1-related conditions. ClinVar contains an entry for this variant (Variation ID: 1045351). An algorithm developed to predict the effect of missense changes on protein structure and function (PolyPhen-2) suggests that this variant is likely to be tolerated. In summary, the available evidence is currently insufficient to determine the role of this variant in disease. Therefore, it has been classified as a Variant of Uncertain Significance.

Ambry Genetics
Classification: Uncertain significance for Hereditary cancer-predisposing syndrome. Last evaluated: 2024-06-18. Review status: criteria provided, single submitter. Criteria: Ambry Variant Classification Scheme 2023. Collection method: clinical testing. Allele origin: germline.
Comment: The p.M4T variant (also known as c.11T>C), located in coding exon 1 of the SMARCB1 gene, results from a T to C substitution at nucleotide position 11. The methionine at codon 4 is replaced by threonine, an amino acid with similar properties. This amino acid position is highly conserved in available vertebrate species. In addition, the in silico prediction for this alteration is inconclusive. Based on the available evidence, the clinical significance of this variant remains unclear.

Fulgent Genetics
Classification: Uncertain significance for SMARCB1-related schwannomatosis; Rhabdoid tumor predisposition syndrome 1; Intellectual disability, autosomal dominant 15. Last evaluated: 2024-05-27. Review status: criteria provided, single submitter. Criteria: ACMG Guidelines, 2015. Collection method: clinical testing. Allele origin: germline.